The following is an entry in ClinVar:

NM_001111125.3(IQSEC2):c.2002A>G (p.Ser668Gly)

Gene: IQSEC2 (IQ motif and Sec7 domain ArfGEF 2; minus strand). Cytogenetic location: Xp11.22.
Variant type: single nucleotide variant.
Coding change: c.2002A>G on transcript NM_001111125.3 (MANE Select); coding-DNA position 2002, A replaced by G.
Protein change: p.Ser668Gly; replaces serine 668 with glycine.
Molecular consequence: missense variant.
Genome position (GRCh38, 1-based): chrX:53,250,574, T>C on the plus strand (A>G on the coding strand, the complement: IQSEC2 is on the minus strand). VCF-style: chrX-53250574-T-C. GRCh37 (hg19) VCF-style: chrX-53279756-T-C.
Other names: c.1387A>G, p.Ser463Gly (NM_015075.2); short protein forms S668G, S463G.
Identifiers: ClinVar variation 432561 (VCV000432561.4), dbSNP rs1556863103, ClinGen allele CA413162647.

ClinVar aggregate classification (germline): Uncertain significance (1 of 4 stars; one submission).

Submission:

GeneDx
Classification: Uncertain significance. Last evaluated: 2020-11-24. Review status: criteria provided, single submitter. Criteria: GeneDx Variant Classification Process June 2021. Collection method: clinical testing. Allele origin: germline. Affected: yes.
Comment: Not observed in large population cohorts (Lek et al., 2016); In silico analysis supports that this missense variant does not alter protein structure/function; Has not been previously published as pathogenic or benign to our knowledge